The following is an entry in ClinVar:

NM_033409.4(SLC52A3):c.946G>A (p.Gly316Ser)

Gene: SLC52A3 (solute carrier family 52 member 3; minus strand). Cytogenetic location: 20p13.
Variant type: single nucleotide variant.
Coding change: c.946G>A on transcript NM_033409.4 (MANE Select); coding-DNA position 946, G replaced by A.
Protein change: p.Gly316Ser; replaces glycine 316 with serine.
Molecular consequence: missense variant.
Genome position (GRCh38, 1-based): chr20:763,625, C>T on the plus strand (G>A on the coding strand, the complement: SLC52A3 is on the minus strand). VCF-style: chr20-763625-C-T. GRCh37 (hg19) VCF-style: chr20-744269-C-T.
Other names: c.946G>A, p.Gly316Ser (NM_001370085.1, NM_001370086.1); short protein forms G316S.
Identifiers: ClinVar variation 847825 (VCV000847825.11), dbSNP rs372400886, ClinGen allele CA9724643.

ClinVar aggregate classification (germline): Uncertain significance. Review status: criteria provided, multiple submitters, no conflicts (2 of 4 stars). 3 submissions from 3 submitters: Uncertain significance (3). Last evaluated 2023-02-23.

Conditions:
Inborn genetic diseases. Identifiers: MedGen C0950123, MeSH D030342.
Brown-Vialetto-van Laere syndrome 1. Also called: BROWN-VIALETTO-VAN LAERE SYNDROME 1, MILD; BULBAR PALSY, PROGRESSIVE, WITH SENSORINEURAL DEAFNESS; PONTOBULBAR PALSY WITH DEAFNESS. Identifiers: Orphanet 572550, Orphanet 97229, MedGen C0796274, MONDO:0024537, OMIM 211530.

Allele frequency attached by ClinVar (database versions not stated): gnomAD 0.00005 and 0.00004; TOPMed 0.00005; ESP Exome Variant Server 0.00008; 1000 Genomes Project 30x 0.00016; ExAC 0.00004; gnomAD exomes 0.00007 and 0.00036; 1000 Genomes Project 0.00020.
gnomAD v4.1: 520 of 1,614,192 alleles (0.032%); highest among the groups gnomAD compares: Non-Finnish European, 0.043%; no homozygotes.

Submissions (3):

Ambry Genetics
Classification: Uncertain significance for Inborn genetic diseases. Last evaluated: 2023-02-23. Review status: criteria provided, single submitter. Criteria: Ambry Variant Classification Scheme 2023. Collection method: clinical testing. Allele origin: germline.

Labcorp Genetics (formerly Invitae), Labcorp
Classification: Uncertain significance for Brown-Vialetto-van Laere syndrome 1. Last evaluated: 2022-07-11. Review status: criteria provided, single submitter. Criteria: Invitae Variant Classification Sherloc (09022015). Collection method: clinical testing. Allele origin: germline.
Comment: This sequence change replaces glycine, which is neutral and non-polar, with serine, which is neutral and polar, at codon 316 of the SLC52A3 protein (p.Gly316Ser). This variant is present in population databases (rs372400886, gnomAD 0.009%). This variant has not been reported in the literature in individuals affected with SLC52A3-related conditions. ClinVar contains an entry for this variant (Variation ID: 847825). Algorithms developed to predict the effect of missense changes on protein structure and function output the following: SIFT: "Deleterious"; PolyPhen-2: "Possibly Damaging"; Align-GVGD: "Class C55". The serine amino acid residue is found in multiple mammalian species, which suggests that this missense change does not adversely affect protein function. Algorithms developed to predict the effect of sequence changes on RNA splicing suggest that this variant may create or strengthen a splice site. In summary, the available evidence is currently insufficient to determine the role of this variant in disease. Therefore, it has been classified as a Variant of Uncertain Significance.

GeneDx
Classification: Uncertain significance. Last evaluated: 2020-10-12. Review status: criteria provided, single submitter. Criteria: GeneDx Variant Classification Process June 2021. Collection method: clinical testing. Allele origin: germline. Affected: yes.
Comment: Not observed at a significant frequency in large population cohorts (Lek et al., 2016); In silico analysis, which includes protein predictors and evolutionary conservation, supports a deleterious effect; Has not been previously published as pathogenic or benign to our knowledge